The following is an entry in ClinVar:

NM_006922.4(SCN3A):c.3998C>T (p.Pro1333Leu)

Gene: SCN3A (sodium voltage-gated channel alpha subunit 3; minus strand). Cytogenetic location: 2q24.3.
Variant type: single nucleotide variant.
Coding change: c.3998C>T on transcript NM_006922.4 (MANE Select); coding-DNA position 3998, C replaced by T.
Protein change: p.Pro1333Leu; replaces proline 1333 with leucine.
Molecular consequence: missense variant.
Genome position (GRCh38, 1-based): chr2:165,097,493, G>A on the plus strand (C>T on the coding strand, the complement: SCN3A is on the minus strand). VCF-style: chr2-165097493-G-A. GRCh37 (hg19) VCF-style: chr2-165954003-G-A.
Other names: c.3851C>T, p.Pro1284Leu (NM_001081676.2, NM_001081677.2); short protein forms P1333L, P1284L.
Identifiers: ClinVar variation 379838 (VCV000379838.9), dbSNP rs1057520753, ClinGen allele CA16604006.

ClinVar aggregate classification (germline): Pathogenic/Likely pathogenic. Review status: criteria provided, multiple submitters, no conflicts (2 of 4 stars). 3 submissions from 3 submitters: Pathogenic (1); Likely pathogenic (1). 1 of the submissions does not count toward it. Last evaluated 2021-12-21.

Conditions:
Developmental and epileptic encephalopathy, 62. Also called: Early infantile epileptic encephalopathy 62. Identifiers: MedGen C4693699, MONDO:0033371, OMIM 617938.

Submissions (4):

Institute of Human Genetics, University of Leipzig Medical Center
Classification: Likely pathogenic for Developmental and epileptic encephalopathy, 62. Last evaluated: 2021-12-21. Review status: criteria provided, single submitter. Criteria: ACMG Guidelines, 2015. Collection method: research. Allele origin: de novo. Affected: yes.

GeneDx
Classification: Pathogenic. Last evaluated: 2015-05-19. Review status: criteria provided, single submitter. Criteria: GeneDx Variant Classification (06012015). Collection method: clinical testing. Allele origin: germline. Affected: yes.
Comment: The P1333L variant in the SCN3A gene has not been reported previously as a pathogenic variantnor as a benign polymorphism, to our knowledge. The P1333L substitution was not observed in approximately6500 individuals of European and African American ancestry in the NHLBI Exome Sequencing Project,indicating it is not a common benign variant in these populations. The P1333L variant is a semi-conservative amino acid substitution, which may impact secondary protein structure as these residuesdiffer in some properties. This substitution occurs at a position that is conserved across species. In silicoanalysis predicts this variant is probably damaging to the protein structure/function. A missense variant in a nearby residue (M1323V) has been reported in association with focal epilepsy (Vanoye et al., 2014),supporting the functional importance of this region of the protein. Therefore, we interpret the P1333L variant as pathogenic.

OMIM
Classification: Pathogenic for DEVELOPMENTAL AND EPILEPTIC ENCEPHALOPATHY 62. Last evaluated: 2020-11-17. Review status: no assertion criteria provided. Collection method: literature only. Allele origin: germline. Not counted in ClinVar's aggregate classification.

Channelopathy-Associated Epilepsy Research Center
No classification provided (evidence only). Condition: Developmental and epileptic encephalopathy. Review status: no classification provided. Collection method: literature only. Allele origin: not applicable. Functional consequence: Normal fast inactivation, Normal peak current, Normal slope of activation, Normal slope of fast inactivation, Normal voltage dependence of fast inactivation, Severe increase in persistent current, Severe hyperpolarizing shift of voltage dependence of activation, Overall gain-of-function. Not counted in ClinVar's aggregate classification.
ClinVar note: "not provided" was previously submitted as the classification for the variant. However, the classification appeared to be based only on an observation of functional data so it was converted to no classification on 2025-07-30.

Literature cited by the submitters: PubMed 32515017 (cited by Institute of Human Genetics, University of Leipzig Medical Center and Channelopathy-Associated Epilepsy Research Center); PubMed 29466837 (cited by OMIM).